The following is an entry in ClinVar:

NM_002834.5(PTPN11):c.246G>C (p.Met82Ile)

Gene: PTPN11 (protein tyrosine phosphatase non-receptor type 11; plus strand). Cytogenetic location: 12q24.13.
Variant type: single nucleotide variant.
Coding change: c.246G>C on transcript NM_002834.5 (MANE Select); coding-DNA position 246, G replaced by C.
Protein change: p.Met82Ile; replaces methionine 82 with isoleucine.
Molecular consequence: missense variant.
Genome position (GRCh38, 1-based): chr12:112,450,426, G>C. VCF-style: chr12-112450426-G-C. GRCh37 (hg19) VCF-style: chr12-112888230-G-C.
Other names: c.246G>C, p.Met82Ile (NM_001330437.2, NM_080601.3); c.243G>C, p.Met81Ile (NM_001374625.1); short protein forms M81I, M82I.
Identifiers: ClinVar variation 1497420 (VCV001497420.10), dbSNP rs753788277, ClinGen allele CA386777970.

ClinVar aggregate classification (germline): Uncertain significance. Review status: criteria provided, multiple submitters, no conflicts (2 of 4 stars). 2 submissions from 2 submitters: Uncertain significance (2). Last evaluated 2024-08-20.

Conditions:
RASopathy. Also called: rasopathies; Noonan spectrum disorder. Identifiers: Orphanet 536391, MedGen C5555857, MONDO:0021060.

Submissions (2):

Dasa
Classification: Uncertain significance. Last evaluated: 2024-08-20. Review status: criteria provided, single submitter. Criteria: DASA Assertion Criteria. Collection method: clinical testing. Allele origin: germline.
Comment: NM_002834.5(PTPN11):c.246G>C (p.Met82Ile) is a missense variant that results in the substitution of methionine with isoleucine. This variant is absent from population databases. The currently available literature and clinical evidence are not sufficient to establish a definitive association between this variant and the reported condition. Therefore, this variant is classified as a variant of uncertain significance.

Labcorp Genetics (formerly Invitae), Labcorp
Classification: Uncertain significance for RASopathy. Last evaluated: 2021-07-24. Review status: criteria provided, single submitter. Criteria: Invitae Variant Classification Sherloc (09022015). Collection method: clinical testing. Allele origin: germline.
Comment: In summary, the available evidence is currently insufficient to determine the role of this variant in disease. Therefore, it has been classified as a Variant of Uncertain Significance. Advanced modeling of protein sequence and biophysical properties (such as structural, functional, and spatial information, amino acid conservation, physicochemical variation, residue mobility, and thermodynamic stability) performed at Invitae indicates that this missense variant is not expected to disrupt PTPN11 protein function. This variant has not been reported in the literature in individuals affected with PTPN11-related conditions. This variant is not present in population databases (ExAC no frequency). This sequence change replaces methionine with isoleucine at codon 82 of the PTPN11 protein (p.Met82Ile). The methionine residue is moderately conserved and there is a small physicochemical difference between methionine and isoleucine.